The following is an entry in ClinVar:

ClinVar aggregate classification (germline): Uncertain significance. Review status: criteria provided, multiple submitters, no conflicts (2 of 4 stars). 2 submissions from 2 submitters: Uncertain significance (2). Last evaluated 2026-07-13.

Conditions:
Bloom syndrome (BLM). Also called: Bloom-Torre-Machacek syndrome. Identifiers: Orphanet 125, MedGen C0005859, MONDO:0008876, OMIM 210900.
Hereditary cancer-predisposing syndrome. Also called: Neoplastic Syndromes, Hereditary; Tumor predisposition; Hereditary Cancer Syndrome; Hereditary neoplastic syndrome. Identifiers: Orphanet 140162, MedGen C0027672, MeSH D009386, MONDO:0015356.

Submissions (2):

Ambry Genetics
Classification: Uncertain significance for Hereditary cancer-predisposing syndrome. Last evaluated: 2026-07-13. Review status: criteria provided, single submitter. Criteria: Ambry Variant Classification Scheme 2023. Collection method: clinical testing. Allele origin: germline.
Comment: The p.F1109Y variant (also known as c.3326T>A), located in coding exon 16 of the BLM gene, results from a T to A substitution at nucleotide position 3326. The phenylalanine at codon 1109 is replaced by tyrosine, an amino acid with highly similar properties. This amino acid position is conserved. In addition, this alteration is predicted to be tolerated by in silico analysis. Based on the available evidence, the clinical significance of this variant remains unclear.

Helix
Classification: Uncertain significance for Bloom syndrome. Last evaluated: 2025-08-30. Review status: criteria provided, single submitter. Criteria: ACMG Guidelines, 2015. Collection method: clinical testing. Allele origin: germline. Inheritance: Autosomal recessive inheritance.
Comment: This variant (NM_000057.4:c.3326T>A p.Phe1109Tyr) results in the substitution of phenylalanine with tyrosine at codon 1109 in the BLM protein. It is a rare variant that is absent from the large gnomAD population database (v4.1). To our knowledge, this variant has not been reported in individuals with BLM-related conditions. In silico prediction from REVEL (PMID: 27666373) suggests that this variant may be benign. In conclusion, since the available evidence is limited, the clinical significance of this variant is unclear at this time. Therefore, it is classified as a Variant of Uncertain Significance.

NM_000057.4(BLM):c.3326T>A (p.Phe1109Tyr)

Gene: BLM (BLM RecQ like helicase; plus strand). Cytogenetic location: 15q26.1.
Variant type: single nucleotide variant.
Coding change: c.3326T>A on transcript NM_000057.4 (MANE Select); coding-DNA position 3326, T replaced by A.
Protein change: p.Phe1109Tyr; replaces phenylalanine 1109 with tyrosine.
Molecular consequence: missense variant.
Genome position (GRCh38, 1-based): chr15:90,798,305, T>A. VCF-style: chr15-90798305-T-A. GRCh37 (hg19) VCF-style: chr15-91341535-T-A.
Other names: c.3326T>A, p.Phe1109Tyr (NM_001287246.2, NM_001287247.2); c.2201T>A, p.Phe734Tyr (NM_001287248.2); short protein forms F1109Y, F734Y.
Identifiers: ClinVar variation 4890802 (VCV004890802.2).
Genomic context (GRCh38, chr15:90,798,305, plus strand): 5'-AAGAACATAGTTCATCACAAGGAATGAGAAATATAAAACATGTAGGTCCTTCTGGAAGAT[T>A]TACTATGAATATGCTGGTCGACATTTTCTTGGGTAAGTCATCTGTTTTGAATGTTTGAGT-3'
Protein context (NP_000048.1, residues 1099-1119): NIKHVGPSGR[Phe1109Tyr]TMNMLVDIFL